The following is an entry in ClinVar:

ClinVar aggregate classification (germline): Uncertain significance (1 of 4 stars; one submission).

Submission:

Labcorp Genetics (formerly Invitae), Labcorp
Classification: Uncertain significance. Last evaluated: 2022-05-04. Review status: criteria provided, single submitter. Criteria: Invitae Variant Classification Sherloc (09022015). Collection method: clinical testing. Allele origin: germline.
Comment: This sequence change replaces isoleucine, which is neutral and non-polar, with phenylalanine, which is neutral and non-polar, at codon 121 of the IL2RB protein (p.Ile121Phe). In summary, the available evidence is currently insufficient to determine the role of this variant in disease. Therefore, it has been classified as a Variant of Uncertain Significance. Algorithms developed to predict the effect of missense changes on protein structure and function (SIFT, PolyPhen-2, Align-GVGD) all suggest that this variant is likely to be tolerated. This variant has not been reported in the literature in individuals affected with IL2RB-related conditions. This variant is not present in population databases (gnomAD no frequency).

NM_000878.5(IL2RB):c.361A>T (p.Ile121Phe)

Gene: IL2RB (interleukin 2 receptor subunit beta; minus strand). Cytogenetic location: 22q12.3.
Variant type: single nucleotide variant.
Coding change: c.361A>T on transcript NM_000878.5 (MANE Select); coding-DNA position 361, A replaced by T.
Protein change: p.Ile121Phe; replaces isoleucine 121 with phenylalanine.
Molecular consequence: missense variant.
Genome position (GRCh38, 1-based): chr22:37,139,144, T>A on the plus strand (A>T on the coding strand, the complement: IL2RB is on the minus strand). VCF-style: chr22-37139144-T-A. GRCh37 (hg19) VCF-style: chr22-37535184-T-A.
Other names: c.361A>T, p.Ile121Phe (NM_001346222.1, NM_001346223.2); short protein forms I121F.
Identifiers: ClinVar variation 2133778 (VCV002133778.4), dbSNP rs1405317424, ClinGen allele CA411428589.